The following is an entry in ClinVar:

ClinVar aggregate classification (germline): Benign/Likely benign. Review status: criteria provided, multiple submitters, no conflicts (2 of 4 stars). 4 submissions from 4 submitters: Benign (2); Likely benign (2). Last evaluated 2026-06-01.

Allele frequency attached by ClinVar (database versions not stated): 1000 Genomes Project 0.00060; 1000 Genomes Project 30x 0.00094; gnomAD 0.00195 and 0.00204; TOPMed 0.00221; ESP Exome Variant Server 0.00241.
gnomAD v4.1: 5,684 of 1,613,810 alleles (0.35%); highest among the groups gnomAD compares: Non-Finnish European, 0.46%; 12 homozygotes.

Submissions (4):

CeGaT Center for Human Genetics Tuebingen
Classification: Likely benign. Last evaluated: 2026-06-01. Review status: criteria provided, single submitter. Criteria: CeGaT Center For Human Genetics Tuebingen Variant Classification Criteria Version 2. Collection method: clinical testing. Allele origin: germline. Affected: yes. Observed: 7 variant alleles.
Comment: ASXL2: BP4, BS1

Labcorp Genetics (formerly Invitae), Labcorp
Classification: Benign. Last evaluated: 2025-12-15. Review status: criteria provided, single submitter. Criteria: Invitae Variant Classification Sherloc (09022015). Collection method: clinical testing. Allele origin: germline.

Blueprint Genetics
Classification: Likely benign. Last evaluated: 2024-11-21. Review status: criteria provided, single submitter. Criteria: ACMG Guidelines, 2015. Collection method: clinical testing. Allele origin: germline.

Breakthrough Genomics
Classification: Benign. Review status: criteria provided, single submitter. Criteria: ACMG Guidelines, 2015. Collection method: not provided. Allele origin: germline. Inheritance: Autosomal dominant inheritance. Affected: yes.

NM_018263.6(ASXL2):c.553A>G (p.Ser185Gly)

Gene: ASXL2 (ASXL transcriptional regulator 2; minus strand). Cytogenetic location: 2p23.3.
Variant type: single nucleotide variant.
Coding change: c.553A>G on transcript NM_018263.6 (MANE Select); coding-DNA position 553, A replaced by G.
Protein change: p.Ser185Gly; replaces serine 185 with glycine.
Molecular consequence: missense variant. On other transcripts: 5 prime UTR variant (1).
Genome position (GRCh38, 1-based): chr2:25,768,820, T>C on the plus strand (A>G on the coding strand, the complement: ASXL2 is on the minus strand). VCF-style: chr2-25768820-T-C. GRCh37 (hg19) VCF-style: chr2-25991689-T-C.
Other names: c.379A>G, p.Ser127Gly (NM_001369346.1); c.-228A>G (NM_001369347.1); short protein forms S127G, S185G.
Identifiers: ClinVar variation 791417 (VCV000791417.44), dbSNP rs147191545, ClinGen allele CA1558016.
Genomic context (GRCh38, chr2:25,768,820, plus strand): 5'-AGTCACTGGCTGCTTTGACAGTCTTTAGTGAGAGATGCTGGTTGGAGGAGATGGATATGC[T>C]TGGCCTGCATTGCTGCTGCTGCTTCTTCTGCTGTTGCTGCTTTAGCGCCTATAAAGATAA-3'
Protein context (NP_060733.4, residues 175-195): QKKQQQQCRP[Ser185Gly]ISISSNQHLS